The following is an entry in ClinVar:

NM_000059.4(BRCA2):c.2827A>G (p.Ile943Val)

Gene: BRCA2 (BRCA2 DNA repair associated; plus strand). Cytogenetic location: 13q13.1.
Variant type: single nucleotide variant.
Coding change: c.2827A>G on transcript NM_000059.4 (MANE Select); coding-DNA position 2827, A replaced by G.
Protein change: p.Ile943Val; replaces isoleucine 943 with valine.
Molecular consequence: missense variant.
Genome position (GRCh38, 1-based): chr13:32,337,182, A>G. VCF-style: chr13-32337182-A-G. GRCh37 (hg19) VCF-style: chr13-32911319-A-G.
Other names: I943V; 3055A>G.
Identifiers: ClinVar variation 37805 (VCV000037805.45), dbSNP rs397507294, ClinGen allele CA016516.

ClinVar aggregate classification (germline): Conflicting classifications of pathogenicity. Review status: criteria provided, conflicting classifications (1 of 4 stars). 8 submissions from 8 submitters: Uncertain significance (5); Likely benign (2). 1 of the submissions does not count toward it. Last evaluated 2025-11-19.

Conditions:
Hereditary cancer-predisposing syndrome. Also called: Neoplastic Syndromes, Hereditary; Hereditary neoplastic syndrome; Tumor predisposition; Hereditary Cancer Syndrome. Identifiers: Orphanet 140162, MedGen C0027672, MeSH D009386, MONDO:0015356.
Hereditary breast ovarian cancer syndrome. Also called: Hereditary breast and/or ovarian cancer syndrome; Breast and ovarian cancer; BRCA1- and BRCA2-Associated Hereditary Breast and Ovarian Cancer; Hereditary breast and ovarian cancer; Hereditary breast and ovarian cancer syndrome; Hereditary breast and ovarian cancer syndrome (HBOC). Identifiers: Orphanet 145, MedGen C0677776, MeSH D061325, MONDO:0003582. Disease mechanism: loss of function.
Breast-ovarian cancer, familial, susceptibility to, 2 (BROVCA2). Also called: BRCA2 Hereditary Breast and Ovarian Cancer. Identifiers: Orphanet 145, MedGen C2675520, MONDO:0012933, OMIM 612555. Disease mechanism: loss of function.

Allele frequency attached by ClinVar (database versions not stated): gnomAD exomes below 0.00001.
gnomAD v4.1: 6 of 1,613,788 alleles (0.00037%); highest among the groups gnomAD compares: East Asian, 0.0022%; no homozygotes.

Submissions (8):

Ambry Genetics
Classification: Uncertain significance for Hereditary cancer-predisposing syndrome. Last evaluated: 2025-11-19. Review status: criteria provided, single submitter. Criteria: Ambry Variant Classification Scheme 2023. Collection method: clinical testing. Allele origin: germline.
Comment: The p.I943V variant (also known as c.2827A>G), located in coding exon 10 of the BRCA2 gene, results from an A to G substitution at nucleotide position 2827. The isoleucine at codon 943 is replaced by valine, an amino acid with highly similar properties. This amino acid position is not well conserved in available vertebrate species. In addition, this alteration is predicted to be tolerated by in silico analysis. Based on the available evidence, the clinical significance of this variant remains unclear.

Labcorp Genetics (formerly Invitae), Labcorp
Classification: Uncertain significance for Hereditary breast ovarian cancer syndrome. Last evaluated: 2024-11-10. Review status: criteria provided, single submitter. Criteria: Invitae Variant Classification Sherloc (09022015). Collection method: clinical testing. Allele origin: germline.
Comment: This sequence change replaces isoleucine, which is neutral and non-polar, with valine, which is neutral and non-polar, at codon 943 of the BRCA2 protein (p.Ile943Val). This variant is not present in population databases (gnomAD no frequency). This variant has not been reported in the literature in individuals affected with BRCA2-related conditions. ClinVar contains an entry for this variant (Variation ID: 37805). Invitae Evidence Modeling of protein sequence and biophysical properties (such as structural, functional, and spatial information, amino acid conservation, physicochemical variation, residue mobility, and thermodynamic stability) indicates that this missense variant is not expected to disrupt BRCA2 protein function with a negative predictive value of 95%. In summary, the available evidence is currently insufficient to determine the role of this variant in disease. Therefore, it has been classified as a Variant of Uncertain Significance.

Blueprint Genetics
Classification: Likely benign. Last evaluated: 2024-09-07. Review status: criteria provided, single submitter. Criteria: ACMG Guidelines, 2015. Collection method: clinical testing. Allele origin: germline.

University of Washington Department of Laboratory Medicine, University of Washington
Classification: Likely benign for Hereditary cancer-predisposing syndrome. Last evaluated: 2023-03-23. Review status: criteria provided, single submitter. Criteria: Dines et al. (Genet Med. 2020). Collection method: curation. Allele origin: germline.
Comment: Missense variant in a coldspot region where missense variants are very unlikely to be pathogenic (PMID:31911673).

BRCA2 exon 11 coldspot. Reclassification based on statistical prior probability.

Genetics Program, Instituto Nacional de Cancer
Classification: Uncertain significance for Hereditary breast ovarian cancer syndrome. Last evaluated: 2021-11-01. Review status: criteria provided, single submitter. Criteria: ACMG Guidelines, 2015. Collection method: research. Allele origin: germline. Affected: yes.

Mendelics
Classification: Uncertain significance for Breast-ovarian cancer, familial, susceptibility to, 2. Last evaluated: 2019-05-28. Review status: criteria provided, single submitter. Criteria: Mendelics Assertion Criteria 2017. Collection method: clinical testing. Allele origin: unknown.

GeneDx
Classification: Uncertain significance. Last evaluated: 2017-01-11. Review status: criteria provided, single submitter. Criteria: GeneDx Variant Classification Process June 2021. Collection method: clinical testing. Allele origin: germline. Affected: yes.
Comment: Not observed in large population cohorts (Lek et al., 2016); In silico analysis supports that this missense variant does not alter protein structure/function; Also known as 3055A>G; This variant is associated with the following publications: (PMID: 30287823)

Sharing Clinical Reports Project (SCRP)
Classification: Uncertain significance for Breast-ovarian cancer, familial 2. Last evaluated: 2011-12-09. Review status: no assertion criteria provided. Collection method: clinical testing. Allele origin: germline. Not counted in ClinVar's aggregate classification.

Literature cited by the submitters: PubMed 36329109 (cited by Genetics Program, Instituto Nacional de Cancer).